The following is an entry in ClinVar:

ClinVar aggregate classification (germline): Uncertain significance (1 of 4 stars; one submission).

Allele frequency attached by ClinVar (database versions not stated): gnomAD exomes below 0.00001; TOPMed 0.00001.

Submission:

Labcorp Genetics (formerly Invitae), Labcorp
Classification: Uncertain significance. Last evaluated: 2021-08-30. Review status: criteria provided, single submitter. Criteria: Invitae Variant Classification Sherloc (09022015). Collection method: clinical testing. Allele origin: germline.
Comment: This sequence change replaces glycine with glutamic acid at codon 363 of the RXYLT1 protein (p.Gly363Glu). The glycine residue is highly conserved and there is a moderate physicochemical difference between glycine and glutamic acid. This variant is not present in population databases (ExAC no frequency). This variant has not been reported in the literature in individuals affected with RXYLT1-related conditions. Algorithms developed to predict the effect of missense changes on protein structure and function are either unavailable or do not agree on the potential impact of this missense change (SIFT: "Tolerated"; PolyPhen-2: "Probably Damaging"; Align-GVGD: "Class C0"). In summary, the available evidence is currently insufficient to determine the role of this variant in disease. Therefore, it has been classified as a Variant of Uncertain Significance.

NM_014254.3(RXYLT1):c.1088G>A (p.Gly363Glu)

Genes: RXYLT1 (ribitol xylosyltransferase 1; plus strand), RXYLT1-AS1 (RXYLT1 antisense RNA 1; minus strand). Cytogenetic location: 12q14.2.
Variant type: single nucleotide variant.
Coding change: c.1088G>A on transcript NM_014254.3 (MANE Select); coding-DNA position 1088, G replaced by A.
Protein change: p.Gly363Glu; replaces glycine 363 with glutamic acid.
Molecular consequence: missense variant. On other transcripts: non-coding transcript variant (1).
Genome position (GRCh38, 1-based): chr12:63,808,848, G>A. VCF-style: chr12-63808848-G-A. GRCh37 (hg19) VCF-style: chr12-64202628-G-A.
Other names: c.308G>A, p.Gly103Glu (NM_001278237.2); short protein forms G363E, G103E.
Identifiers: ClinVar variation 540604 (VCV000540604.6), dbSNP rs1003835285, ClinGen allele CA238830872.